The following is an entry in ClinVar:

NM_021072.4(HCN1):c.1619-6T>A

Gene: HCN1 (hyperpolarization activated cyclic nucleotide gated potassium channel 1; minus strand). Cytogenetic location: 5p12.
Variant type: single nucleotide variant.
Coding change: c.1619-6T>A on transcript NM_021072.4 (MANE Select); 6 bases into the intron before coding-DNA position 1619, T replaced by A.
Molecular consequence: intron variant.
Genome position (GRCh38, 1-based): chr5:45,267,259, A>T on the plus strand (T>A on the coding strand, the complement: HCN1 is on the minus strand). VCF-style: chr5-45267259-A-T. GRCh37 (hg19) VCF-style: chr5-45267361-A-T.
Identifiers: ClinVar variation 1307502 (VCV001307502.2), dbSNP rs2111846924, ClinGen allele CA2573052513.

ClinVar aggregate classification (germline): Uncertain significance (1 of 4 stars; one submission).

Submission:

GeneDx
Classification: Uncertain significance. Last evaluated: 2019-08-13. Review status: criteria provided, single submitter. Criteria: GeneDx Variant Classification Process June 2021. Collection method: clinical testing. Allele origin: germline. Affected: yes.
Comment: Not observed in large population cohorts (Lek et al., 2016); Has not been previously published as pathogenic or benign to our knowledge; In-silico analysis, which includes splice predictors and evolutionary conservation, is inconclusive as to whether the variant alters gene splicing. In the absence of RNA/functional studies, the actual effect of this sequence change is unknown